The following is an entry in ClinVar:

ClinVar aggregate classification (germline): Uncertain significance (1 of 4 stars; one submission).

Conditions:
Arrhythmogenic cardiomyopathy with wooly hair and keratoderma. Also called: Carvajal syndrome; PALMOPLANTAR KERATODERMA WITH LEFT VENTRICULAR CARDIOMYOPATHY AND WOOLLY HAIR; Dilated cardiomyopathy with woolly hair and keratoderma; Arrhythmogenic cardiomyopathy with woolly hair and keratoderma. Identifiers: Orphanet 65282, MedGen C1854063, MONDO:0011581, OMIM 605676.

Allele frequency attached by ClinVar (database versions not stated): ExAC 0.00001; gnomAD exomes 0.00001.

Submission:

All of Us Research Program, National Institutes of Health
Classification: Uncertain significance for Arrhythmogenic cardiomyopathy with wooly hair and keratoderma. Last evaluated: 2022-12-05. Review status: criteria provided, single submitter. Criteria: ACMG Guidelines, 2015. Collection method: clinical testing. Allele origin: germline. Inheritance: Autosomal dominant inheritance. Observed: 1 variant allele, 1 heterozygote.
Comment: This missense variant replaces glutamic acid with lysine at codon 2027 of the DSP protein. Computational prediction suggests that this variant may not impact protein structure and function (internally defined REVEL score threshold <= 0.5, PMID: 27666373). To our knowledge, functional studies have not been reported for this variant. This variant has not been reported in individuals affected with cardiovascular disorders in the literature. This variant has been identified in 1/250924 chromosomes in the general population by the Genome Aggregation Database (gnomAD). The available evidence is insufficient to determine the role of this variant in disease conclusively. Therefore, this variant is classified as a Variant of Uncertain Significance.

This study involves interpretation of variants in research participants for the purpose of population health screening. Participant phenotype was not available at the time of variant classification. Additional details can be found in publication PMID: 35346344, PMCID: PMC8962531

NM_004415.4(DSP):c.6079G>A (p.Glu2027Lys)

Gene: DSP (desmoplakin; plus strand). Cytogenetic location: 6p24.3.
Variant type: single nucleotide variant.
Coding change: c.6079G>A on transcript NM_004415.4 (MANE Select); coding-DNA position 6079, G replaced by A.
Protein change: p.Glu2027Lys; replaces glutamic acid 2027 with lysine.
Molecular consequence: missense variant.
Genome position (GRCh38, 1-based): chr6:7,583,341, G>A. VCF-style: chr6-7583341-G-A. GRCh37 (hg19) VCF-style: chr6-7583574-G-A.
Other names: c.4282G>A, p.Glu1428Lys (NM_001008844.3); c.4750G>A, p.Glu1584Lys (NM_001319034.2); short protein forms E1428K, E1584K, E2027K.
Identifiers: ClinVar variation 3069320 (VCV003069320.1), dbSNP rs762538310, ClinGen allele CA046828.